The following is an entry in ClinVar:

ClinVar aggregate classification (germline): Uncertain significance (1 of 4 stars; one submission).

Allele frequency attached by ClinVar (database versions not stated): ExAC 0.00001; gnomAD exomes 0.00001.
gnomAD v4.1: 11 of 1,614,054 alleles (0.00068%); highest among the groups gnomAD compares: Non-Finnish European, 0.00093%; no homozygotes.

Submission:

Ambry Genetics
Classification: Uncertain significance. Last evaluated: 2021-08-02. Review status: criteria provided, single submitter. Criteria: Ambry Variant Classification Scheme 2023. Collection method: clinical testing. Allele origin: germline.
Comment: The p.Q2027K variant (also known as c.6079C>A), located in coding exon 19 of the POLQ gene, results from a C to A substitution at nucleotide position 6079. The glutamine at codon 2027 is replaced by lysine, an amino acid with similar properties. This amino acid position is conserved. In addition, this alteration is predicted to be tolerated by in silico analysis. Since supporting evidence is limited at this time, the clinical significance of this alteration remains unclear.

NM_199420.4(POLQ):c.6079C>A (p.Gln2027Lys)

Gene: POLQ (DNA polymerase theta; minus strand). Cytogenetic location: 3q13.33.
Variant type: single nucleotide variant.
Coding change: c.6079C>A on transcript NM_199420.4 (MANE Select); coding-DNA position 6079, C replaced by A.
Protein change: p.Gln2027Lys; replaces glutamine 2027 with lysine.
Molecular consequence: missense variant.
Genome position (GRCh38, 1-based): chr3:121,481,704, G>T on the plus strand (C>A on the coding strand, the complement: POLQ is on the minus strand). VCF-style: chr3-121481704-G-T. GRCh37 (hg19) VCF-style: chr3-121200551-G-T.
Other names: short protein forms Q2027K.
Identifiers: ClinVar variation 1751423 (VCV001751423.2), dbSNP rs756475404, ClinGen allele CA2562575.